The following is an entry in ClinVar:

ClinVar aggregate classification (germline): Uncertain significance (1 of 4 stars; one submission).

Conditions:
ARHGAP31-related disorder. Also called: ARHGAP31-related condition.

Submission:

PreventionGenetics, part of Exact Sciences
Classification: Uncertain significance for ARHGAP31-related condition. Last evaluated: 2022-09-02. Review status: criteria provided, single submitter. Criteria: ACMG Guidelines, 2015. Collection method: clinical testing. Allele origin: germline.
Comment: The ARHGAP31 c.3172A>G variant is predicted to result in the amino acid substitution p.Arg1058Gly. To our knowledge, this variant has not been reported in the literature or in a large population database, indicating this variant is rare. At this time, the clinical significance of this variant is uncertain due to the absence of conclusive functional and genetic evidence.

NM_020754.4(ARHGAP31):c.3172A>G (p.Arg1058Gly)

Gene: ARHGAP31 (Rho GTPase activating protein 31; plus strand). Cytogenetic location: 3q13.33.
Variant type: single nucleotide variant.
Coding change: c.3172A>G on transcript NM_020754.4 (MANE Select); coding-DNA position 3172, A replaced by G.
Protein change: p.Arg1058Gly; replaces arginine 1058 with glycine.
Molecular consequence: missense variant.
Genome position (GRCh38, 1-based): chr3:119,415,101, A>G. VCF-style: chr3-119415101-A-G. GRCh37 (hg19) VCF-style: chr3-119133948-A-G.
Other names: short protein forms R1058G.
Identifiers: ClinVar variation 2636363 (VCV002636363.1), dbSNP rs2472877563, ClinGen allele CA354054980.